The following is an entry in ClinVar:

NM_000038.6(APC):c.6508C>G (p.Pro2170Ala)

Gene: APC (APC regulator of Wnt signaling pathway; plus strand). Cytogenetic location: 5q22.2.
Variant type: single nucleotide variant.
Coding change: c.6508C>G on transcript NM_000038.6 (MANE Select); coding-DNA position 6508, C replaced by G.
Protein change: p.Pro2170Ala; replaces proline 2170 with alanine.
Molecular consequence: missense variant. On other transcripts: non-coding transcript variant (2).
Genome position (GRCh38, 1-based): chr5:112,842,102, C>G. VCF-style: chr5-112842102-C-G. GRCh37 (hg19) VCF-style: chr5-112177799-C-G.
Other names: c.6508C>G, p.Pro2170Ala (NM_001127510.3, NM_001354895.2, NM_001407450.1); c.6454C>G, p.Pro2152Ala (NM_001127511.3); c.6562C>G, p.Pro2188Ala (NM_001354896.2, NM_001407447.1, NM_001407448.1 and 1 more transcripts); c.6538C>G, p.Pro2180Ala (NM_001354897.2); c.6433C>G, p.Pro2145Ala (NM_001354898.2); c.6424C>G, p.Pro2142Ala (NM_001354899.2); c.6385C>G, p.Pro2129Ala (NM_001354900.2); c.6331C>G, p.Pro2111Ala (NM_001354901.2, NM_001407453.1); and 11 more; short protein forms P1786A, P1887A, P2010A, P2041A, P2044A, P2069A, P2079A, P2087A.
Identifiers: ClinVar variation 4801508 (VCV004801508.1).

ClinVar aggregate classification (germline): Uncertain significance (1 of 4 stars; one submission).

Conditions:
Familial adenomatous polyposis 1 (FAP1). Also called: FAMILIAL ADENOMATOUS POLYPOSIS 1, ATTENUATED; POLYPOSIS, ADENOMATOUS INTESTINAL. Identifiers: MedGen C2713442, MONDO:0021056, OMIM 175100. Disease mechanism: loss of function.

gnomAD v4.1: 1 of 1,610,860 alleles (0.000062%); highest among the groups gnomAD compares: Non-Finnish European, 0.000085%; no homozygotes.

Submission:

Labcorp Genetics (formerly Invitae), Labcorp
Classification: Uncertain significance for Familial adenomatous polyposis 1. Last evaluated: 2025-09-12. Review status: criteria provided, single submitter. Criteria: Invitae Variant Classification Sherloc (09022015). Collection method: clinical testing. Allele origin: germline.
Comment: This sequence change replaces proline, which is neutral and non-polar, with alanine, which is neutral and non-polar, at codon 2170 of the APC protein (p.Pro2170Ala). This variant is not present in population databases (gnomAD no frequency). This variant has not been reported in the literature in individuals affected with APC-related conditions. Invitae Evidence Modeling of protein sequence and biophysical properties (such as structural, functional, and spatial information, amino acid conservation, physicochemical variation, residue mobility, and thermodynamic stability) indicates that this missense variant is not expected to disrupt APC protein function with a negative predictive value of 95%. In summary, the available evidence is currently insufficient to determine the role of this variant in disease. Therefore, it has been classified as a Variant of Uncertain Significance.